The following is an entry in ClinVar:

ClinVar aggregate classification (germline): Uncertain significance (1 of 4 stars; one submission).

Conditions:
Charcot-Marie-Tooth disease axonal type 2O. Also called: CHARCOT-MARIE-TOOTH NEUROPATHY, AXONAL, TYPE 2O; CHARCOT-MARIE-TOOTH DISEASE, AXONAL, AUTOSOMAL DOMINANT, TYPE 2O; Charcot-Marie-Tooth Neuropathy Type 2O; Charcot-Marie-Tooth disease, axonal, type 20. Identifiers: Orphanet 284232, MedGen C3280220, MONDO:0013644, OMIM 614228.

Allele frequency attached by ClinVar (database versions not stated): TOPMed below 0.00001.

Submission:

Labcorp Genetics (formerly Invitae), Labcorp
Classification: Uncertain significance for Charcot-Marie-Tooth disease axonal type 2O. Last evaluated: 2023-06-23. Review status: criteria provided, single submitter. Criteria: Invitae Variant Classification Sherloc (09022015). Collection method: clinical testing. Allele origin: germline.
Comment: This sequence change replaces valine, which is neutral and non-polar, with isoleucine, which is neutral and non-polar, at codon 488 of the DYNC1H1 protein (p.Val488Ile). This variant is not present in population databases (gnomAD no frequency). This variant has not been reported in the literature in individuals affected with DYNC1H1-related conditions. An algorithm developed to predict the effect of missense changes on protein structure and function (PolyPhen-2) suggests that this variant is likely to be tolerated. In summary, the available evidence is currently insufficient to determine the role of this variant in disease. Therefore, it has been classified as a Variant of Uncertain Significance.

NM_001376.5(DYNC1H1):c.1462G>A (p.Val488Ile)

Gene: DYNC1H1 (dynein cytoplasmic 1 heavy chain 1; plus strand). Cytogenetic location: 14q32.31.
Variant type: single nucleotide variant.
Coding change: c.1462G>A on transcript NM_001376.5 (MANE Select); coding-DNA position 1462, G replaced by A.
Protein change: p.Val488Ile; replaces valine 488 with isoleucine.
Molecular consequence: missense variant.
Genome position (GRCh38, 1-based): chr14:101,985,687, G>A. VCF-style: chr14-101985687-G-A. GRCh37 (hg19) VCF-style: chr14-102452024-G-A.
Other names: short protein forms V488I.
Identifiers: ClinVar variation 2891543 (VCV002891543.3), dbSNP rs2047929102, ClinGen allele CA391017776.
Genomic context (GRCh38, chr14:101,985,687, plus strand): 5'-AATAAATTTTAAAGCCTTCGTTTGGTCAGCATTTCTTGATTACATATCTTTCTCCTTTAG[G>A]TCACGGCAGTTGCACAACAGAATCAAGGAGAGGTCCCTGAACCCCAAGATATGAAAGTGG-3'
Protein context (NP_001367.2, residues 478-498): AVIVRVLRPQ[Val488Ile]TAVAQQNQGE